The following is an entry in ClinVar:

ClinVar aggregate classification (germline): Uncertain significance. Review status: criteria provided, multiple submitters, no conflicts (2 of 4 stars). 10 submissions from 10 submitters: Uncertain significance (9). 1 of the submissions does not count toward it. Last evaluated 2026-01-27.

Conditions:
Noonan syndrome 2 (NS2). Identifiers: Orphanet 648, MedGen C1854469, MONDO:0011531, OMIM 605275.
LZTR1-related schwannomatosis. Also called: Schwannomatosis-2, susceptibility to; Schwannomatosis 2. Identifiers: Orphanet 93921, MedGen C3810283, MONDO:0014299, OMIM 615670.
Noonan syndrome 10 (NS10). Identifiers: Orphanet 648, MedGen C4225280, MONDO:0014693, OMIM 616564.
Noonan syndrome 1 (NS1). Also called: PTPN11-Related Noonan Syndrome; FEMALE PSEUDO-TURNER SYNDROME; TURNER PHENOTYPE WITH NORMAL KARYOTYPE. Identifiers: Orphanet 648, MedGen C4551602, MONDO:0008104, OMIM 163950. Disease mechanism: gain of function.
Hereditary cancer-predisposing syndrome. Also called: Tumor predisposition; Neoplastic Syndromes, Hereditary; Hereditary neoplastic syndrome; Hereditary Cancer Syndrome. Identifiers: Orphanet 140162, MedGen C0027672, MeSH D009386, MONDO:0015356.
Cardiovascular phenotype. Identifiers: MedGen CN230736.

Allele frequency attached by ClinVar (database versions not stated): ESP Exome Variant Server 0.00008; gnomAD 0.00008; gnomAD exomes 0.00009 and 0.00014; TOPMed 0.00011; ExAC 0.00013.
gnomAD v4.1: 206 of 1,613,376 alleles (0.013%); highest among the groups gnomAD compares: Middle Eastern, 0.016%; no homozygotes.

Submissions (10):

Labcorp Genetics (formerly Invitae), Labcorp
Classification: Uncertain significance. Last evaluated: 2026-01-27. Review status: criteria provided, single submitter. Criteria: Invitae Variant Classification Sherloc (09022015). Collection method: clinical testing. Allele origin: germline.
Comment: This sequence change replaces arginine, which is basic and polar, with tryptophan, which is neutral and slightly polar, at codon 435 of the LZTR1 protein (p.Arg435Trp). This variant is present in population databases (rs369722558, gnomAD 0.01%). This variant has not been reported in the literature in individuals affected with LZTR1-related conditions. ClinVar contains an entry for this variant (Variation ID: 561957). Invitae Evidence Modeling of protein sequence and biophysical properties (such as structural, functional, and spatial information, amino acid conservation, physicochemical variation, residue mobility, and thermodynamic stability) indicates that this missense variant is not expected to disrupt LZTR1 protein function with a negative predictive value of 80%. In summary, the available evidence is currently insufficient to determine the role of this variant in disease. Therefore, it has been classified as a Variant of Uncertain Significance.

GeneDx
Classification: Uncertain significance. Last evaluated: 2025-08-04. Review status: criteria provided, single submitter. Criteria: GeneDx Variant Classification Process June 2021. Collection method: clinical testing. Allele origin: germline. Affected: yes.
Comment: In silico analysis supports that this missense variant has a deleterious effect on protein structure/function; Has not been previously published as pathogenic or benign to our knowledge; This variant is associated with the following publications: (PMID: 25795793)

ARUP Laboratories, Molecular Genetics and Genomics, ARUP Laboratories
Classification: Uncertain significance. Last evaluated: 2025-05-06. Review status: criteria provided, single submitter. Criteria: ARUP Molecular Germline Variant Investigation Process 2024. Collection method: clinical testing. Allele origin: germline.
Comment: The LZTR1 c.1303C>T; p.Arg435Trp variant (rs369722558), to our knowledge, is not reported in the medical literature but is reported in ClinVar (Variation ID: 561957). This variant is found in the general population with an overall allele frequency of 0.0082% (23/280462 alleles) in the Genome Aggregation Database (v2.1.1). Computational analyses are uncertain whether this variant is neutral or deleterious (REVEL: 0.566). Due to limited information, the clinical significance of this variant is uncertain at this time.

Ambry Genetics
Classification: Uncertain significance for Cardiovascular phenotype; Hereditary cancer-predisposing syndrome. Last evaluated: 2024-08-02. Review status: criteria provided, single submitter. Criteria: Ambry Variant Classification Scheme 2023. Collection method: clinical testing. Allele origin: germline.
Comment: The p.R435W variant (also known as c.1303C>T), located in coding exon 12 of the LZTR1 gene, results from a C to T substitution at nucleotide position 1303. The arginine at codon 435 is replaced by tryptophan, an amino acid with dissimilar properties. This amino acid position is well conserved in available vertebrate species. In addition, the in silico prediction for this alteration is inconclusive. Since supporting evidence is limited at this time, the clinical significance of this alteration remains unclear.

Baylor Genetics
Classification: Uncertain significance for LZTR1-related schwannomatosis. Last evaluated: 2024-03-29. Review status: criteria provided, single submitter. Criteria: ACMG Guidelines, 2015. Collection method: clinical testing. Allele origin: unknown.

Blueprint Genetics
Classification: Uncertain significance. Last evaluated: 2024-02-15. Review status: criteria provided, single submitter. Criteria: ACMG Guidelines, 2015. Collection method: clinical testing. Allele origin: germline.

Human Genetics Bochum, Ruhr University Bochum
Classification: Uncertain significance for Noonan syndrome 2. Last evaluated: 2023-07-11. Review status: criteria provided, single submitter. Criteria: ACMG Guidelines, 2015. Collection method: clinical testing. Allele origin: germline. Affected: yes.
Comment: ACMG criteria used to clasify this variant: PP3_MOD

Johns Hopkins Genomics, Johns Hopkins University
Classification: Uncertain significance for Noonan syndrome 10. Last evaluated: 2023-06-30. Review status: criteria provided, single submitter. Criteria: ACMG Guidelines, 2015. Collection method: clinical testing. Allele origin: germline.

Mayo Clinic Laboratories, Mayo Clinic
Classification: Uncertain significance. Last evaluated: 2023-06-21. Review status: criteria provided, single submitter. Criteria: ACMG Guidelines, 2015. Collection method: clinical testing. Allele origin: germline. Observed: 4 variant alleles.

Molecular Genetics, Centre for Human Genetics
Classification: Uncertain significance for Noonan syndrome 1. Review status: no assertion criteria provided. Collection method: clinical testing. Allele origin: de novo. Inheritance: Autosomal dominant inheritance. Affected: yes. Observed: 1 variant allele. Not counted in ClinVar's aggregate classification.

Literature cited by the submitters: PubMed 25795793 (cited by Johns Hopkins Genomics, Johns Hopkins University).

NM_006767.4(LZTR1):c.1303C>T (p.Arg435Trp)

Gene: LZTR1 (leucine zipper like post translational regulator 1; plus strand). Cytogenetic location: 22q11.21.
Variant type: single nucleotide variant.
Coding change: c.1303C>T on transcript NM_006767.4 (MANE Select); coding-DNA position 1303, C replaced by T.
Protein change: p.Arg435Trp; replaces arginine 435 with tryptophan.
Molecular consequence: missense variant.
Genome position (GRCh38, 1-based): chr22:20,993,704, C>T. VCF-style: chr22-20993704-C-T. GRCh37 (hg19) VCF-style: chr22-21347993-C-T.
Other names: p.Arg435Trp; short protein forms R435W.
Identifiers: ClinVar variation 561957 (VCV000561957.25), dbSNP rs369722558, ClinGen allele CA10118809.